The following is an entry in ClinVar:

NM_001378454.1(ALMS1):c.5665C>G (p.Gln1889Glu)

Gene: ALMS1 (ALMS1 centrosome and basal body associated protein; plus strand). Cytogenetic location: 2p13.1.
Variant type: single nucleotide variant.
Coding change: c.5665C>G on transcript NM_001378454.1 (MANE Select); coding-DNA position 5665, C replaced by G.
Protein change: p.Gln1889Glu; replaces glutamine 1889 with glutamic acid.
Molecular consequence: missense variant.
Genome position (GRCh38, 1-based): chr2:73,452,192, C>G. VCF-style: chr2-73452192-C-G. GRCh37 (hg19) VCF-style: chr2-73679319-C-G.
Other names: c.5668C>G, p.Gln1890Glu (NM_015120.4); short protein forms Q1889E, Q1890E.
Identifiers: ClinVar variation 1702772 (VCV001702772.2), dbSNP rs2103787285, ClinGen allele CA347282897.

ClinVar aggregate classification (germline): Uncertain significance (1 of 4 stars; one submission).

Submission:

GeneDx
Classification: Uncertain significance. Last evaluated: 2022-02-22. Review status: criteria provided, single submitter. Criteria: GeneDx Variant Classification Process June 2021. Collection method: clinical testing. Allele origin: germline. Affected: yes.
Comment: Not observed at significant frequency in large population cohorts (gnomAD); In silico analysis supports that this missense variant does not alter protein structure/function; Has not been previously published as pathogenic or benign to our knowledge